The following is an entry in ClinVar:

ClinVar aggregate classification (germline): Uncertain significance (1 of 4 stars; one submission).

Conditions:
Developmental and epileptic encephalopathy, 23 (DEE23). Also called: Epileptic encephalopathy, early infantile, 23. Identifiers: Orphanet 411986, MedGen C4014492, MONDO:0014371, OMIM 615859.

Allele frequency attached by ClinVar (database versions not stated): TOPMed below 0.00001; ExAC 0.00001; gnomAD 0.00001; gnomAD exomes 0.00001.
gnomAD v4.1: 12 of 1,613,756 alleles (0.00074%); highest among the groups gnomAD compares: African/African-American, 0.0053%; no homozygotes.

Submission:

Labcorp Genetics (formerly Invitae), Labcorp
Classification: Uncertain significance for Developmental and epileptic encephalopathy, 23. Last evaluated: 2021-08-27. Review status: criteria provided, single submitter. Criteria: Invitae Variant Classification Sherloc (09022015). Collection method: clinical testing. Allele origin: germline.
Comment: This sequence change replaces alanine with threonine at codon 1171 of the DOCK7 protein (p.Ala1171Thr). The alanine residue is highly conserved and there is a small physicochemical difference between alanine and threonine. This variant is present in population databases (rs778123548, ExAC 0.002%). This variant has not been reported in the literature in individuals affected with DOCK7-related conditions. Algorithms developed to predict the effect of missense changes on protein structure and function (SIFT, PolyPhen-2, Align-GVGD) all suggest that this variant is likely to be tolerated. In summary, the available evidence is currently insufficient to determine the role of this variant in disease. Therefore, it has been classified as a Variant of Uncertain Significance.

NM_001367561.1(DOCK7):c.3511G>A (p.Ala1171Thr)

Gene: DOCK7 (dedicator of cytokinesis 7; minus strand). Cytogenetic location: 1p31.3.
Variant type: single nucleotide variant.
Coding change: c.3511G>A on transcript NM_001367561.1 (MANE Select); coding-DNA position 3511, G replaced by A.
Protein change: p.Ala1171Thr; replaces alanine 1171 with threonine.
Molecular consequence: missense variant.
Genome position (GRCh38, 1-based): chr1:62,535,593, C>T on the plus strand (G>A on the coding strand, the complement: DOCK7 is on the minus strand). VCF-style: chr1-62535593-C-T. GRCh37 (hg19) VCF-style: chr1-63001264-C-T.
Other names: c.3511G>A, p.Ala1171Thr (NM_001271999.2, NM_001330614.2); c.3418G>A, p.Ala1140Thr (NM_001272000.2, NM_001272001.2, NM_033407.4); short protein forms A1140T, A1171T.
Identifiers: ClinVar variation 1061450 (VCV001061450.6), dbSNP rs778123548, ClinGen allele CA885966.